The following is an entry in ClinVar:

NM_020297.4(ABCC9):c.589A>G (p.Met197Val)

Gene: ABCC9 (ATP binding cassette subfamily C member 9; minus strand). Cytogenetic location: 12p12.1.
Variant type: single nucleotide variant.
Coding change: c.589A>G on transcript NM_020297.4 (MANE Select); coding-DNA position 589, A replaced by G.
Protein change: p.Met197Val; replaces methionine 197 with valine.
Molecular consequence: missense variant. On other transcripts: intron variant (1).
Genome position (GRCh38, 1-based): chr12:21,915,895, T>C on the plus strand (A>G on the coding strand, the complement: ABCC9 is on the minus strand). VCF-style: chr12-21915895-T-C. GRCh37 (hg19) VCF-style: chr12-22068829-T-C.
Other names: c.589A>G, p.Met197Val (NM_001377273.1, NM_005691.4); c.-48-2829A>G (NM_001377274.1); short protein forms M197V.
Identifiers: ClinVar variation 4745818 (VCV004745818.1).

ClinVar aggregate classification (germline): Uncertain significance (1 of 4 stars; one submission).

Conditions:
Dilated cardiomyopathy 1O (CMD1O). Also called: CARDIOMYOPATHY, DILATED, WITH VENTRICULAR TACHYCARDIA. Identifiers: Orphanet 154, MedGen C1837839, MONDO:0012062, OMIM 608569.

Submission:

Labcorp Genetics (formerly Invitae), Labcorp
Classification: Uncertain significance for Dilated cardiomyopathy 1O. Last evaluated: 2025-02-23. Review status: criteria provided, single submitter. Criteria: Invitae Variant Classification Sherloc (09022015). Collection method: clinical testing. Allele origin: germline.
Comment: This sequence change replaces methionine, which is neutral and non-polar, with valine, which is neutral and non-polar, at codon 197 of the ABCC9 protein (p.Met197Val). This variant is not present in population databases (gnomAD no frequency). This variant has not been reported in the literature in individuals affected with ABCC9-related conditions. Invitae Evidence Modeling of protein sequence and biophysical properties (such as structural, functional, and spatial information, amino acid conservation, physicochemical variation, residue mobility, and thermodynamic stability) indicates that this missense variant is not expected to disrupt ABCC9 protein function with a negative predictive value of 95%. In summary, the available evidence is currently insufficient to determine the role of this variant in disease. Therefore, it has been classified as a Variant of Uncertain Significance.